The following is an entry in ClinVar:

NM_001039591.3(USP9X):c.2879T>C (p.Leu960Pro)

Gene: USP9X (ubiquitin specific peptidase 9 X-linked; plus strand). Cytogenetic location: Xp11.4.
Variant type: single nucleotide variant.
Coding change: c.2879T>C on transcript NM_001039591.3 (MANE Select); coding-DNA position 2879, T replaced by C.
Protein change: p.Leu960Pro; replaces leucine 960 with proline.
Molecular consequence: missense variant.
Genome position (GRCh38, 1-based): chrX:41,170,471, T>C. VCF-style: chrX-41170471-T-C. GRCh37 (hg19) VCF-style: chrX-41029724-T-C.
Other names: c.2879T>C, p.Leu960Pro (NM_001039590.3); c.2894T>C, p.Leu965Pro (NM_001410748.1, NM_001410749.1); short protein forms L960P, L965P.
Identifiers: ClinVar variation 2965624 (VCV002965624.3), dbSNP rs1057147897, ClinGen allele CA329000816.

ClinVar aggregate classification (germline): Uncertain significance (1 of 4 stars; one submission).

Allele frequency attached by ClinVar (database versions not stated): gnomAD exomes below 0.00001; TOPMed 0.00002.
gnomAD v4.1: 2 of 1,208,655 alleles (0.00017%); highest among the groups gnomAD compares: African/African-American, 0.0035%; no homozygotes.

Submission:

Labcorp Genetics (formerly Invitae), Labcorp
Classification: Uncertain significance. Last evaluated: 2023-10-22. Review status: criteria provided, single submitter. Criteria: Invitae Variant Classification Sherloc (09022015). Collection method: clinical testing. Allele origin: germline.
Comment: This sequence change replaces leucine, which is neutral and non-polar, with proline, which is neutral and non-polar, at codon 960 of the USP9X protein (p.Leu960Pro). The frequency data for this variant in the population databases is considered unreliable, as metrics indicate poor data quality at this position in the gnomAD database. This variant has not been reported in the literature in individuals affected with USP9X-related conditions. An algorithm developed to predict the effect of missense changes on protein structure and function (PolyPhen-2) suggests that this variant is likely to be tolerated. In summary, the available evidence is currently insufficient to determine the role of this variant in disease. Therefore, it has been classified as a Variant of Uncertain Significance.